The following is an entry in ClinVar:

NM_002653.5(PITX1):c.170-2A>G

Gene: PITX1 (paired like homeodomain 1; minus strand). Cytogenetic location: 5q31.1.
Variant type: single nucleotide variant.
Coding change: c.170-2A>G on transcript NM_002653.5 (MANE Select); the canonical splice acceptor site of the intron before coding-DNA position 170, A replaced by G.
Molecular consequence: splice acceptor variant.
Genome position (GRCh38, 1-based): chr5:135,031,510, T>C on the plus strand (A>G on the coding strand, the complement: PITX1 is on the minus strand). VCF-style: chr5-135031510-T-C. GRCh37 (hg19) VCF-style: chr5-134367200-T-C.
Identifiers: ClinVar variation 390430 (VCV000390430.2), dbSNP rs1057523765, ClinGen allele CA16605274.

ClinVar aggregate classification (germline): Likely pathogenic (1 of 4 stars; one submission).

Submission:

GeneDx
Classification: Likely pathogenic. Last evaluated: 2016-11-09. Review status: criteria provided, single submitter. Criteria: GeneDx Variant Classification (06012015). Collection method: clinical testing. Allele origin: germline. Affected: yes.
Comment: The c.170-2A>G variant in the PITX1 gene has not been reported previously as a pathogenic variant nor as a benign variant, to our knowledge. This splice site variant destroys the canonical splice acceptor site in intron 1. It is predicted to cause abnormal gene splicing, either leading to an abnormal message that is subject to nonsense-mediated mRNA decay, or to an abnormal protein product if the message is used for protein translation. The c.170-2A>G variant was not observed in approximately 6500 individuals of European and African American ancestry in the NHLBI Exome Sequencing Project, indicating it is not a common benign variant in these populations. We interpret c.170-2A>G as a likely pathogenic variant